The following is an entry in ClinVar:

ClinVar aggregate classification (germline): Uncertain significance (1 of 4 stars; one submission).

Conditions:
Familial temporal lobe epilepsy 7. Identifiers: Orphanet 101046, MedGen C4225327, MONDO:0014639, OMIM 616436.
Norman-Roberts syndrome (LIS2). Also called: Lissencephaly 2 (Norman-Roberts type). Identifiers: Orphanet 89844, MedGen C0796089, MONDO:0009760, OMIM 257320.

Submission:

Labcorp Genetics (formerly Invitae), Labcorp
Classification: Uncertain significance for Familial temporal lobe epilepsy 7; Norman-Roberts syndrome. Last evaluated: 2020-03-04. Review status: criteria provided, single submitter. Criteria: Invitae Variant Classification Sherloc (09022015). Collection method: clinical testing. Allele origin: germline.
Comment: This sequence change replaces glutamine with histidine at codon 3153 of the RELN protein (p.Gln3153His). The glutamine residue is moderately conserved and there is a small physicochemical difference between glutamine and histidine. This variant is not present in population databases (ExAC no frequency). This variant has not been reported in the literature in individuals with RELN-related disease. Algorithms developed to predict the effect of missense changes on protein structure and function output the following: SIFT: "Deleterious"; PolyPhen-2: "Benign"; Align-GVGD: "Class C0". The histidine amino acid residue is found in multiple mammalian species, suggesting that this missense change does not adversely affect protein function. These predictions have not been confirmed by published functional studies and their clinical significance is uncertain. In summary, the available evidence is currently insufficient to determine the role of this variant in disease. Therefore, it has been classified as a Variant of Uncertain Significance.

NM_005045.4(RELN):c.9459G>C (p.Gln3153His)

Genes: SLC26A5-AS1 (SLC26A5 antisense RNA 1; plus strand), RELN (reelin; minus strand), LOC126860130 (BRD4-independent group 4 enhancer GRCh37_chr7:103130126-103131325; plus strand). Cytogenetic location: 7q22.1.
Variant type: single nucleotide variant.
Coding change: c.9459G>C on transcript NM_005045.4 (MANE Select); coding-DNA position 9459, G replaced by C.
Protein change: p.Gln3153His; replaces glutamine 3153 with histidine.
Molecular consequence: missense variant.
Genome position (GRCh38, 1-based): chr7:103,490,814, C>G on the plus strand (G>C on the coding strand, the complement: RELN is on the minus strand). VCF-style: chr7-103490814-C-G. GRCh37 (hg19) VCF-style: chr7-103131261-C-G.
Other names: c.9459G>C, p.Gln3153His (NM_173054.3); short protein forms Q3153H.
Identifiers: ClinVar variation 475995 (VCV000475995.9), dbSNP rs1554362509, ClinGen allele CA368745884.